The following is an entry in ClinVar:

NM_004789.4(LHX2):c.892C>T (p.Gln298Ter)

Gene: LHX2 (LIM homeobox 2; plus strand). Cytogenetic location: 9q33.3.
Variant type: single nucleotide variant.
Coding change: c.892C>T on transcript NM_004789.4 (MANE Select); coding-DNA position 892, C replaced by T.
Protein change: p.Gln298Ter; replaces glutamine 298 with a stop codon.
Molecular consequence: nonsense.
Genome position (GRCh38, 1-based): chr9:124,021,263, C>T. VCF-style: chr9-124021263-C-T. GRCh37 (hg19) VCF-style: chr9-126783542-C-T.
Other names: short protein forms Q298*.
Identifiers: ClinVar variation 4975010 (VCV004975010.1).

ClinVar aggregate classification (germline): Likely pathogenic (1 of 4 stars; one submission).

Conditions:
Paediatric disorders.

Submission:

North West Genomic Laboratory Hub, Manchester University NHS Foundation Trust
Classification: Likely pathogenic for Paediatric disorders. Last evaluated: 2025-05-06. Review status: criteria provided, single submitter. Criteria: ACGS Best Practice Guidelines for Variant Classification in Rare Disease 2024. Collection method: clinical testing. Allele origin: germline. Affected: yes.
Comment: PVS1_Str PM2_Mod PS2_Mod